The following is an entry in ClinVar:

NM_000133.4(F9):c.756T>G (p.Cys252Trp)

Gene: F9 (coagulation factor IX; plus strand). Cytogenetic location: Xq27.1.
Variant type: single nucleotide variant.
Coding change: c.756T>G on transcript NM_000133.4 (MANE Select); coding-DNA position 756, T replaced by G.
Protein change: p.Cys252Trp; replaces cysteine 252 with tryptophan.
Molecular consequence: missense variant.
Genome position (GRCh38, 1-based): chrX:139,560,773, T>G. VCF-style: chrX-139560773-T-G. GRCh37 (hg19) VCF-style: chrX-138642932-T-G.
Other names: c.642T>G, p.Cys214Trp (NM_001313913.2); short protein forms C252W, C214W.
Identifiers: ClinVar variation 375453 (VCV000375453.1), dbSNP rs1556008316, ClinGen allele CA414443210.

ClinVar aggregate classification (germline): Likely pathogenic (0 of 4 stars; one submission).

Conditions:
Hereditary factor IX deficiency disease (HEMB). Also called: F9 DEFICIENCY; FACTOR IX DEFICIENCY; PLASMA THROMBOPLASTIN COMPONENT DEFICIENCY; Hemophilia B; Christmas Disease. Identifiers: Orphanet 98879, MedGen C0008533, MeSH D002836, MONDO:0010604, OMIM 306900.

Submission:

Institute of Basic Medical Sciences, Khyber Medical University, Peshawar
Classification: Likely pathogenic for Hereditary factor IX deficiency disease. Last evaluated: 2016-12-17. Review status: no assertion criteria provided. Collection method: research. Allele origin: inherited. Inheritance: X-linked inheritance. Affected: yes. Observed: 1 variant allele.
Comment: The variant is associated with Moderate Haemophilia B or Factor IX deficiency

Literature cited by the submitters: PubMed 28752769.